The following is an entry in ClinVar:

NM_018557.3(LRP1B):c.12640+2_12640+4del

Gene: LRP1B (LDL receptor related protein 1B; minus strand). Cytogenetic location: 2q22.1.
Variant type: Deletion.
Coding change: c.12640+2_12640+4del on transcript NM_018557.3 (MANE Select); the canonical splice donor site of the intron after coding-DNA position 12640 through 4 bases into the intron after coding-DNA position 12640, 3 bases deleted (TGG; older notation c.12640+2_12640+4delTGG).
Molecular consequence: splice donor variant.
Genome position (GRCh38, 1-based): chr2:140,321,959-140,321,961, CCA deleted on the plus strand (TGG on the coding strand, the reverse complement: LRP1B is on the minus strand); deleting any 3 consecutive bases within chr2:140,321,959-140,321,963 gives the same sequence; the c. name uses the placement nearest the transcript's 3' end. VCF-style (leftmost placement, unchanged base first): chr2-140321958-CCCA-C. GRCh37 (hg19) VCF-style: chr2-141079527-CCCA-C.
Identifiers: ClinVar variation 4823220 (VCV004823220.4).

ClinVar aggregate classification (germline): Uncertain significance (1 of 4 stars; one submission).

Submission:

CeGaT Center for Human Genetics Tuebingen
Classification: Uncertain significance. Last evaluated: 2026-02-01. Review status: criteria provided, single submitter. Criteria: CeGaT Center For Human Genetics Tuebingen Variant Classification Criteria Version 2. Collection method: clinical testing. Allele origin: germline. Affected: yes. Observed: 1 variant allele.
Comment: LRP1B: PM2